The following is an entry in ClinVar:

NM_144736.5(NDUFAF7):c.-37del

Genes: NDUFAF7 (NADH:ubiquinone oxidoreductase complex assembly factor 7; plus strand), LOC126806192 (CDK7 strongly-dependent group 2 enhancer GRCh37_chr2:37458084-37459283; plus strand). Cytogenetic location: 2p22.2.
Variant type: Deletion.
Coding change: c.-37del on transcript NM_144736.5 (MANE Select); 37 bases upstream of the start codon, one base deleted (A; older notation c.-37delA).
Molecular consequence: 5 prime UTR variant. On other transcripts: non-coding transcript variant (10).
Genome position (GRCh38, 1-based): chr2:37,231,669, A deleted. VCF-style (leftmost placement, unchanged base first): chr2-37231668-CA-C. GRCh37 (hg19) VCF-style: chr2-37458811-CA-C.
Other names: c.-37del (NM_001083946.2, NM_001350024.2, NM_001350025.2 and 1 more transcripts).
Identifiers: ClinVar variation 214756 (VCV000214756.1), dbSNP rs145277736, ClinGen allele CA320023.

ClinVar aggregate classification (germline): Benign (1 of 4 stars; one submission).

Allele frequency attached by ClinVar (database versions not stated): 1000 Genomes Project 30x 0.01483; 1000 Genomes Project 0.01518; TOPMed 0.02050; gnomAD 0.02096 and 0.02149; gnomAD exomes 0.02550 and 0.03019; ExAC 0.02637.

Submission:

GeneDx
Classification: Benign. Last evaluated: 2013-09-23. Review status: criteria provided, single submitter. Criteria: GeneDx Variant Classification (06012015). Collection method: clinical testing. Allele origin: germline. Affected: yes.
Comment: The variant is found in MITONUC-MITOP panel(s).